The following is an entry in ClinVar:

ClinVar aggregate classification (germline): Uncertain significance. Review status: criteria provided, multiple submitters, no conflicts (2 of 4 stars). 2 submissions from 2 submitters: Uncertain significance (2). Last evaluated 2024-10-28.

Allele frequency attached by ClinVar (database versions not stated): gnomAD exomes below 0.00001.
gnomAD v4.1: 1 of 1,613,978 alleles (0.000062%); highest among the groups gnomAD compares: Non-Finnish European, 0.000085%; no homozygotes.

Submissions (2):

Labcorp Genetics (formerly Invitae), Labcorp
Classification: Uncertain significance. Last evaluated: 2024-10-28. Review status: criteria provided, single submitter. Criteria: Invitae Variant Classification Sherloc (09022015). Collection method: clinical testing. Allele origin: germline.
Comment: This sequence change replaces isoleucine, which is neutral and non-polar, with asparagine, which is neutral and polar, at codon 777 of the ABCA4 protein (p.Ile777Asn). This variant is not present in population databases (gnomAD no frequency). This variant has not been reported in the literature in individuals affected with ABCA4-related conditions. ClinVar contains an entry for this variant (Variation ID: 1307756). Invitae Evidence Modeling of protein sequence and biophysical properties (such as structural, functional, and spatial information, amino acid conservation, physicochemical variation, residue mobility, and thermodynamic stability) indicates that this missense variant is expected to disrupt ABCA4 protein function with a positive predictive value of 80%. In summary, the available evidence is currently insufficient to determine the role of this variant in disease. Therefore, it has been classified as a Variant of Uncertain Significance.

GeneDx
Classification: Uncertain significance. Last evaluated: 2019-08-06. Review status: criteria provided, single submitter. Criteria: GeneDx Variant Classification Process June 2021. Collection method: clinical testing. Allele origin: germline. Affected: yes.
Comment: Not observed in large population cohorts (Lek et al., 2016); In silico analysis, which includes protein predictors and evolutionary conservation, supports a deleterious effect; Has not been previously published as pathogenic or benign to our knowledge

NM_000350.3(ABCA4):c.2330T>A (p.Ile777Asn)

Gene: ABCA4 (ATP binding cassette subfamily A member 4; minus strand). Cytogenetic location: 1p22.1.
Variant type: single nucleotide variant.
Coding change: c.2330T>A on transcript NM_000350.3 (MANE Select); coding-DNA position 2330, T replaced by A.
Protein change: p.Ile777Asn; replaces isoleucine 777 with asparagine.
Molecular consequence: missense variant.
Genome position (GRCh38, 1-based): chr1:94,056,653, A>T on the plus strand (T>A on the coding strand, the complement: ABCA4 is on the minus strand). VCF-style: chr1-94056653-A-T. GRCh37 (hg19) VCF-style: chr1-94522209-A-T.
Other names: short protein forms I777N.
Identifiers: ClinVar variation 1307756 (VCV001307756.7), dbSNP rs2101069681, ClinGen allele CA341277760.
Genomic context (GRCh38, chr1:94,056,653, plus strand): 5'-GGCCTCACCACAGCCTTCTTCAGCTCAGCGGTCATGCGGTCCTGCCAGGCGAAGCACAGG[A>T]TGTGTGGCAGGTAGAGGGTGAAATAGATGACACCACTACAGGCTGCTGCCAGACTGGCCT-3'
Protein context (NP_000341.2, residues 767-787): VIYFTLYLPH[Ile777Asn]LCFAWQDRMT